The following is an entry in ClinVar:

ClinVar aggregate classification (germline): Likely pathogenic (1 of 4 stars; one submission).

Submission:

GeneDx
Classification: Likely pathogenic. Last evaluated: 2018-10-23. Review status: criteria provided, single submitter. Criteria: GeneDx Variant Classification (06012015). Collection method: clinical testing. Allele origin: germline. Affected: yes.
Comment: A variant that is likely pathogenic has been identified in the IQSEC2 gene. The Y1371X variant has not been published as a pathogenic variant, nor has it been reported as a benign variant to our knowledge. This variant is not observed in large population cohorts (Lek et al., 2016). The Y1371X variant is predicted to cause loss of normal protein function through protein truncation, as the last 118 amino acids are lost. Therefore, this variant is likely pathogenic.

NM_001111125.3(IQSEC2):c.4113C>G (p.Tyr1371Ter)

Gene: IQSEC2 (IQ motif and Sec7 domain ArfGEF 2; minus strand). Cytogenetic location: Xp11.22.
Variant type: single nucleotide variant.
Coding change: c.4113C>G on transcript NM_001111125.3 (MANE Select); coding-DNA position 4113, C replaced by G.
Protein change: p.Tyr1371Ter; replaces tyrosine 1371 with a stop codon.
Molecular consequence: nonsense. On other transcripts: 3 prime UTR variant (1).
Genome position (GRCh38, 1-based): chrX:53,234,573, G>C on the plus strand (C>G on the coding strand, the complement: IQSEC2 is on the minus strand). VCF-style: chrX-53234573-G-C. GRCh37 (hg19) VCF-style: chrX-53263755-G-C.
Other names: c.*598C>G (NM_015075.2); short protein forms Y1371*.
Identifiers: ClinVar variation 620442 (VCV000620442.1), dbSNP rs781846571, ClinGen allele CA413139477.